The following is an entry in ClinVar:

ClinVar aggregate classification (germline): Uncertain significance (1 of 4 stars; one submission).

Conditions:
SPEN-related disorder. Also called: SPEN-related condition.

gnomAD v4.1: 4 of 1,613,996 alleles (0.00025%); highest among the groups gnomAD compares: African/African-American, 0.0053%; no homozygotes.

Submission:

PreventionGenetics, part of Exact Sciences
Classification: Uncertain significance for SPEN-related condition. Last evaluated: 2026-03-09. Review status: criteria provided, single submitter. Criteria: ACMG Guidelines, 2015. Collection method: clinical testing. Allele origin: germline.
Comment: The SPEN c.9066T>G variant is predicted to result in the amino acid substitution p.Asp3022Glu. To our knowledge, this variant has not been reported in the literature or in a large population database (gnomAD), indicating this variant is rare. At this time, the clinical significance of this variant is uncertain due to the absence of conclusive functional and genetic evidence.

NM_015001.3(SPEN):c.9066T>G (p.Asp3022Glu)

Gene: SPEN (spen family transcriptional repressor; plus strand). Cytogenetic location: 1p36.13.
Variant type: single nucleotide variant.
Coding change: c.9066T>G on transcript NM_015001.3 (MANE Select); coding-DNA position 9066, T replaced by G.
Protein change: p.Asp3022Glu; replaces aspartic acid 3022 with glutamic acid.
Molecular consequence: missense variant.
Genome position (GRCh38, 1-based): chr1:15,935,306, T>G. VCF-style: chr1-15935306-T-G. GRCh37 (hg19) VCF-style: chr1-16261801-T-G.
Other names: short protein forms D3022E.
Identifiers: ClinVar variation 4979369 (VCV004979369.1).
Genomic context (GRCh38, chr1:15,935,306, plus strand): 5'-CTCGGGGCCCAGCATCCCAGCAGATCGAACTGTCTCCCATTTGGCAGCTGCAAAGCTAGA[T>G]GCTCATTCTCCTCGACCAAGTGGACCCGGGCCATCCTCATTCCCAAGGGCAAGCCACCCC-3'
Protein context (NP_055816.2, residues 3012-3032): TVSHLAAAKL[Asp3022Glu]AHSPRPSGPG